The following is an entry in ClinVar:

NM_006904.7(PRKDC):c.2888A>T (p.Lys963Met)

Gene: PRKDC (protein kinase, DNA-activated, catalytic subunit; minus strand). Cytogenetic location: 8q11.21.
Variant type: single nucleotide variant.
Coding change: c.2888A>T on transcript NM_006904.7 (MANE Select); coding-DNA position 2888, A replaced by T.
Protein change: p.Lys963Met; replaces lysine 963 with methionine.
Molecular consequence: missense variant.
Genome position (GRCh38, 1-based): chr8:47,912,456, T>A on the plus strand (A>T on the coding strand, the complement: PRKDC is on the minus strand). VCF-style: chr8-47912456-T-A. GRCh37 (hg19) VCF-style: chr8-48825016-T-A.
Other names: c.2888A>T, p.Lys963Met (NM_001081640.2); short protein forms K963M.
Identifiers: ClinVar variation 1714833 (VCV001714833.5), dbSNP rs2551876646, ClinGen allele CA371158750.

ClinVar aggregate classification (germline): Uncertain significance (1 of 4 stars; one submission).

Conditions:
Severe combined immunodeficiency due to DNA-PKcs deficiency. Also called: IMMUNODEFICIENCY 26 WITH NEUROLOGIC ABNORMALITIES; Immunodeficiency 26 with or without neurologic abnormalities. Identifiers: Orphanet 317425, MedGen C4014833, MONDO:0014423, OMIM 615966.

Submission:

Labcorp Genetics (formerly Invitae), Labcorp
Classification: Uncertain significance for Severe combined immunodeficiency due to DNA-PKcs deficiency. Last evaluated: 2024-02-23. Review status: criteria provided, single submitter. Criteria: Invitae Variant Classification Sherloc (09022015). Collection method: clinical testing. Allele origin: germline.
Comment: This sequence change replaces lysine, which is basic and polar, with methionine, which is neutral and non-polar, at codon 963 of the PRKDC protein (p.Lys963Met). This variant is not present in population databases (gnomAD no frequency). This variant has not been reported in the literature in individuals affected with PRKDC-related conditions. ClinVar contains an entry for this variant (Variation ID: 1714833). Advanced modeling of protein sequence and biophysical properties (such as structural, functional, and spatial information, amino acid conservation, physicochemical variation, residue mobility, and thermodynamic stability) performed at Invitae indicates that this missense variant is expected to disrupt PRKDC protein function with a positive predictive value of 80%. In summary, the available evidence is currently insufficient to determine the role of this variant in disease. Therefore, it has been classified as a Variant of Uncertain Significance.